The following is an entry in ClinVar:

ClinVar aggregate classification (germline): Pathogenic (1 of 4 stars; one submission).

Allele frequency attached by ClinVar (database versions not stated): 1000 Genomes Project 0.00026; 1000 Genomes Project 30x 0.00021.

Submission:

Labcorp Genetics (formerly Invitae), Labcorp
Classification: Pathogenic. Last evaluated: 2023-07-07. Review status: criteria provided, single submitter. Criteria: Invitae Variant Classification Sherloc (09022015). Collection method: clinical testing. Allele origin: germline.
Comment: For these reasons, this variant has been classified as Pathogenic. This variant disrupts the p.Cys63 amino acid residue in RS1. Other variant(s) that disrupt this residue have been determined to be pathogenic (PMID: 29739629, 33460243; Invitae). This suggests that this residue is clinically significant, and that variants that disrupt this residue are likely to be disease-causing. Advanced modeling of protein sequence and biophysical properties (such as structural, functional, and spatial information, amino acid conservation, physicochemical variation, residue mobility, and thermodynamic stability) performed at Invitae indicates that this missense variant is expected to disrupt RS1 protein function. ClinVar contains an entry for this variant (Variation ID: 2022205). This missense change has been observed in individuals with retinoschisis (Invitae). This variant is present in population databases (rs760405772, gnomAD 0.008%). This sequence change replaces cysteine, which is neutral and slightly polar, with tyrosine, which is neutral and polar, at codon 63 of the RS1 protein (p.Cys63Tyr).

Literature cited by the submitters: PubMed 29739629; PubMed 33460243.

NM_000330.4(RS1):c.188G>A (p.Cys63Tyr)

Genes: CDKL5 (cyclin dependent kinase like 5; plus strand), RS1 (retinoschisin 1; minus strand). Cytogenetic location: Xp22.13.
Variant type: single nucleotide variant.
Coding change: c.188G>A on transcript NM_000330.4 (MANE Select); coding-DNA position 188, G replaced by A.
Protein change: p.Cys63Tyr; replaces cysteine 63 with tyrosine.
Molecular consequence: missense variant. On other transcripts: intron variant (2).
Genome position (GRCh38, 1-based): chrX:18,647,329, C>T on the plus strand (G>A on the coding strand, the complement: RS1 is on the minus strand). VCF-style: chrX-18647329-C-T. GRCh37 (hg19) VCF-style: chrX-18665449-C-T.
Other names: c.2797+1239C>T (NM_003159.3, NM_001037343.2); short protein forms C63Y.
Identifiers: ClinVar variation 2022205 (VCV002022205.4), dbSNP rs760405772, ClinGen allele CA327012353.